The following is an entry in ClinVar:

ClinVar aggregate classification (germline): Conflicting classifications of pathogenicity. Review status: criteria provided, conflicting classifications (1 of 4 stars). 6 submissions from 6 submitters: Uncertain significance (1); Likely benign (4). 1 of the submissions does not count toward it. Last evaluated 2026-01-07.

Conditions:
DiGeorge syndrome. Also called: Catch22; THIRD AND FOURTH PHARYNGEAL POUCH SYNDROME. Identifiers: Orphanet 567, MedGen C0012236, MONDO:0008564, OMIM 188400.
Cardiovascular phenotype. Identifiers: MedGen CN230736.
TBX1-related disorder. Also called: TBX1-related condition; TBX1-Related Disorders.

Allele frequency attached by ClinVar (database versions not stated): ExAC below 0.00001; gnomAD exomes 0.00012 and 0.00015; gnomAD 0.00105 and 0.00107; TOPMed 0.00112; 1000 Genomes Project 0.00200.
gnomAD v4.1: 297 of 1,309,378 alleles (0.023%); highest among the groups gnomAD compares: African/African-American, 0.42%; 3 homozygotes.

Submissions (6):

Labcorp Genetics (formerly Invitae), Labcorp
Classification: Likely benign for DiGeorge syndrome. Last evaluated: 2026-01-07. Review status: criteria provided, single submitter. Criteria: Invitae Variant Classification Sherloc (09022015). Collection method: clinical testing. Allele origin: germline.

Women's Health and Genetics/Laboratory Corporation of America, LabCorp
Classification: Likely benign. Last evaluated: 2024-04-29. Review status: criteria provided, single submitter. Criteria: LabCorp Variant Classification Summary - May 2015. Collection method: clinical testing. Allele origin: germline.
Comment: Variant summary: TBX1 c.1132G>A (p.Gly378Ser) results in a non-conservative amino acid change in the encoded protein sequence. Three of five in-silico tools predict a benign effect of the variant on protein function. The variant allele was found at a frequency of 0.00023 in 1309378 control chromosomes, predominantly at a frequency of 0.0042 within the African or African-American subpopulation in the gnomAD database, including 2 homozygotes. The observed variant frequency within African or African-American control individuals in the gnomAD database strongly suggests that the variant is a benign polymorphism found primarily in populations of African or African-American origin. c.1132G>A has been reported in the literature in an individuals affected with midline facial defects with hypertelorism without strong evidence of causality (Simioni_2010). This report does not provide unequivocal conclusions about association of the variant with TBX1-Related Disorders. To our knowledge, no experimental evidence demonstrating an impact on protein function has been reported. The following publication has been ascertained in the context of this evaluation (PMID: 20453311). ClinVar contains an entry for this variant (Variation ID: 518829). Based on the evidence outlined above, the variant was classified as likely benign.

Blueprint Genetics
Classification: Uncertain significance. Last evaluated: 2023-12-28. Review status: criteria provided, single submitter. Criteria: ACMG Guidelines, 2015. Collection method: clinical testing. Allele origin: germline.

Ambry Genetics
Classification: Likely benign for Cardiovascular phenotype. Last evaluated: 2021-05-21. Review status: criteria provided, single submitter. Criteria: Ambry Variant Classification Scheme 2023. Collection method: clinical testing. Allele origin: germline.

GeneDx
Classification: Likely benign. Last evaluated: 2020-07-21. Review status: criteria provided, single submitter. Criteria: GeneDx Variant Classification Process June 2021. Collection method: clinical testing. Allele origin: germline. Affected: yes.
Comment: This variant is associated with the following publications: (PMID: 20453311)

PreventionGenetics, part of Exact Sciences
Classification: Likely benign for TBX1-related condition. Last evaluated: 2020-04-28. Review status: no assertion criteria provided. Collection method: clinical testing. Allele origin: germline. Not counted in ClinVar's aggregate classification.
Comment: This variant is classified as likely benign based on ACMG/AMP sequence variant interpretation guidelines (Richards et al. 2015 PMID: 25741868, with internal and published modifications).

Literature cited by the submitters: PubMed 20453311 (cited by Women's Health and Genetics/Laboratory Corporation of America, LabCorp).

NM_001379200.1(TBX1):c.1159G>A (p.Gly387Ser)

Gene: TBX1 (T-box transcription factor 1; plus strand). Cytogenetic location: 22q11.21.
Variant type: single nucleotide variant.
Coding change: c.1159G>A on transcript NM_001379200.1 (MANE Select); coding-DNA position 1159, G replaced by A.
Protein change: p.Gly387Ser; replaces glycine 387 with serine.
Molecular consequence: missense variant. On other transcripts: intron variant (2).
Genome position (GRCh38, 1-based): chr22:19,766,511, G>A. VCF-style: chr22-19766511-G-A. GRCh37 (hg19) VCF-style: chr22-19754034-G-A.
Other names: c.1132G>A, p.Gly378Ser (NM_080647.1); c.1009+509G>A (NM_005992.1, NM_080646.2); short protein forms G378S, G387S.
Identifiers: ClinVar variation 518829 (VCV000518829.22), dbSNP rs565927787, ClinGen allele CA10102662.